The following is an entry in ClinVar:

NM_001987.5(ETV6):c.627C>G (p.Ile209Met)

Gene: ETV6 (ETS variant transcription factor 6; plus strand). Cytogenetic location: 12p13.2.
Variant type: single nucleotide variant.
Coding change: c.627C>G on transcript NM_001987.5 (MANE Select); coding-DNA position 627, C replaced by G.
Protein change: p.Ile209Met; replaces isoleucine 209 with methionine.
Molecular consequence: missense variant.
Genome position (GRCh38, 1-based): chr12:11,869,587, C>G. VCF-style: chr12-11869587-C-G. GRCh37 (hg19) VCF-style: chr12-12022521-C-G.
Other names: c.624C>G, p.Ile208Met (NM_001413913.1); c.600C>G, p.Ile200Met (NM_001413914.1); c.363C>G, p.Ile121Met (NM_001413915.1); c.627C>G, p.Ile209Met (NM_001413916.1, NM_001413917.1); short protein forms I121M, I208M, I200M, I209M.
Identifiers: ClinVar variation 5036202 (VCV005036202.1).

ClinVar aggregate classification (germline): Uncertain significance (1 of 4 stars; one submission).

Conditions:
Inborn genetic diseases. Identifiers: MedGen C0950123, MeSH D030342.

Submission:

Ambry Genetics
Classification: Uncertain significance for Inborn genetic diseases. Last evaluated: 2026-07-12. Review status: criteria provided, single submitter. Criteria: Ambry Variant Classification Scheme 2023. Collection method: clinical testing. Allele origin: germline.
Comment: The p.I209M variant (also known as c.627C>G), located in coding exon 5 of the ETV6 gene, results from a C to G substitution at nucleotide position 627. The isoleucine at codon 209 is replaced by methionine, an amino acid with highly similar properties. This amino acid position is conserved. In addition, this alteration is predicted to be tolerated by in silico analysis. Based on the available evidence, the clinical significance of this variant remains unclear.